The following is an entry in ClinVar:

ClinVar aggregate classification (germline): Benign/Likely benign. Review status: criteria provided, multiple submitters, no conflicts (2 of 4 stars). 31 submissions from 31 submitters: Benign (18); Likely benign (3). 10 of the submissions do not count toward it. Last evaluated 2026-02-04.

Conditions:
Hereditary breast ovarian cancer syndrome. Also called: Hereditary breast and ovarian cancer syndrome; Hereditary breast and ovarian cancer syndrome (HBOC); Breast and ovarian cancer; BRCA1- and BRCA2-Associated Hereditary Breast and Ovarian Cancer; Hereditary breast and ovarian cancer; Hereditary breast and/or ovarian cancer syndrome. Identifiers: Orphanet 145, MedGen C0677776, MeSH D061325, MONDO:0003582. Disease mechanism: loss of function.
Familial cancer of breast. Also called: hereditary breast carcinoma; Hereditary breast cancer; BREAST CANCER, FAMILIAL. Identifiers: Orphanet 227535, MedGen C0346153, MONDO:0016419, OMIM 114480. Disease mechanism: loss of function.
Malignant tumor of breast. Also called: Malignant breast neoplasm; Cancer breast. Identifiers: MedGen C0006142, MONDO:0007254. Disease mechanism: loss of function.
Ataxia-telangiectasia syndrome (AT). Also called: Cerebello-oculocutaneous telangiectasia; Immunodeficiency with ataxia telangiectasia; Ataxia-telangiectasia; LOUIS-BAR SYNDROME; Ataxia telangiectasia (A-T); Ataxia-telangiectasia, complementation group D. Identifiers: Orphanet 100, MedGen C0004135, MONDO:0008840, OMIM 208900.
Hereditary cancer-predisposing syndrome. Also called: Tumor predisposition; Hereditary neoplastic syndrome; Neoplastic Syndromes, Hereditary; Hereditary Cancer Syndrome. Identifiers: Orphanet 140162, MedGen C0027672, MeSH D009386, MONDO:0015356.

Allele frequency attached by ClinVar (database versions not stated): 1000 Genomes Project 0.01538; 1000 Genomes Project 30x 0.01577; TOPMed 0.02960; gnomAD 0.03133 and 0.03196; gnomAD exomes 0.03258; ExAC 0.03334; ESP Exome Variant Server 0.03701.
gnomAD v4.1: 70,848 of 1,613,832 alleles (4.4%); highest among the groups gnomAD compares: Non-Finnish European, 5.3%; 1,860 homozygotes.

Submissions 1 to 26 of 31:

Labcorp Genetics (formerly Invitae), Labcorp
Classification: Benign for Ataxia-telangiectasia syndrome. Last evaluated: 2026-02-04. Review status: criteria provided, single submitter. Criteria: Invitae Variant Classification Sherloc (09022015). Collection method: clinical testing. Allele origin: germline.

ARUP Laboratories, Molecular Genetics and Genomics, ARUP Laboratories
Classification: Benign. Last evaluated: 2025-07-28. Review status: criteria provided, single submitter. Criteria: ARUP Molecular Germline Variant Investigation Process 2024. Collection method: clinical testing. Allele origin: germline.

Athena Diagnostics
Classification: Benign. Last evaluated: 2025-07-23. Review status: criteria provided, single submitter. Criteria: Athena Diagnostics Criteria. Collection method: clinical testing. Allele origin: unknown.
Comment: The frequency of this variant in the general population is higher than would generally be expected for pathogenic variants in this gene. Computational tools yielded predictions that this variant is unlikely to have an effect on normal RNA splicing. This nucleotide position exhibits low evolutionary conservation.

Center for Genomic Medicine, Rigshospitalet, Copenhagen University Hospital
Classification: Benign. Last evaluated: 2025-03-04. Review status: criteria provided, single submitter. Criteria: ACMG Guidelines, 2015. Collection method: clinical testing. Allele origin: germline.

Blueprint Genetics
Classification: Likely benign. Last evaluated: 2024-11-27. Review status: criteria provided, single submitter. Criteria: ACMG Guidelines, 2015. Collection method: clinical testing. Allele origin: germline.

Myriad Genetics, Inc.
Classification: Benign for Familial cancer of breast. Last evaluated: 2024-05-20. Review status: criteria provided, single submitter. Criteria: Myriad Autosomal Dominant, Autosomal Recessive and X-Linked Classification Criteria (2023). Collection method: clinical testing. Allele origin: unknown.
Comment: This variant is considered benign. This variant is a silent/synonymous amino acid change and it is not expected to impact splicing.

KCCC/NGS Laboratory, Kuwait Cancer Control Center
Classification: Benign for Familial cancer of breast. Last evaluated: 2023-07-07. Review status: criteria provided, single submitter. Criteria: ACMG Guidelines, 2015. Collection method: clinical testing. Allele origin: germline. Affected: yes.

Mayo Clinic Laboratories, Mayo Clinic
Classification: Benign. Last evaluated: 2022-05-04. Review status: criteria provided, single submitter. Criteria: ACMG Guidelines, 2015. Collection method: clinical testing. Allele origin: germline. Observed: 304 variant alleles.
Comment: BA1, BP4, BP7

National Health Laboratory Service, Universitas Academic Hospital and University of the Free State
Classification: Benign for Hereditary breast ovarian cancer syndrome. Last evaluated: 2022-04-19. Review status: criteria provided, single submitter. Criteria: ACMG Guidelines, 2015. Collection method: clinical testing. Allele origin: germline. Affected: yes. Observed: 9 variant alleles.

Genome-Nilou Lab
Classification: Benign for Ataxia-telangiectasia syndrome. Last evaluated: 2021-07-01. Review status: criteria provided, single submitter. Criteria: ACMG Guidelines, 2015. Collection method: clinical testing. Allele origin: germline. Affected: no.

Sema4
Classification: Benign for Hereditary cancer-predisposing syndrome. Last evaluated: 2020-05-22. Review status: criteria provided, single submitter. Criteria: Sema4 Curation Guidelines. Collection method: curation. Allele origin: germline.

Illumina Laboratory Services, Illumina
Classification: Benign for Ataxia-telangiectasia syndrome. Last evaluated: 2018-01-13. Review status: criteria provided, single submitter. Criteria: ICSL Variant Classification Criteria 13 December 2019. Collection method: clinical testing. Allele origin: germline.
Comment: This variant was observed in the ICSL laboratory as part of a predisposition screen in an ostensibly healthy population. It had not been previously curated by ICSL or reported in the Human Gene Mutation Database (HGMD: prior to June 1st, 2018), and was therefore a candidate for classification through an automated scoring system. Utilizing variant allele frequency, disease prevalence and penetrance estimates, and inheritance mode, an automated score was calculated to assess if this variant is too frequent to cause the disease. Based on the score and internal cut-off values, a variant classified as benign is not then subjected to further curation. The score for this variant resulted in a classification of benign for this disease.

Eurofins Ntd Llc (ga)
Classification: Benign. Last evaluated: 2017-08-24. Review status: criteria provided, single submitter. Criteria: EGL Classification Definitions 2015. Collection method: clinical testing. Allele origin: germline. Observed: 1 variant allele, 1 homozygote.

Institute for Biomarker Research, Medical Diagnostic Laboratories, L.L.C.
Classification: Likely benign for Hereditary cancer-predisposing syndrome. Last evaluated: 2017-07-12. Review status: criteria provided, single submitter. Criteria: ACMG Guidelines, 2015. Collection method: clinical testing. Allele origin: germline.

Laboratory for Molecular Medicine, Mass General Brigham Personalized Medicine
Classification: Benign. Last evaluated: 2016-03-28. Review status: criteria provided, single submitter. Criteria: LMM Criteria. Collection method: clinical testing. Allele origin: germline.
Comment: Variant identified in a genome or exome case(s) and assessed due to predicted null impact of the variant or pathogenic assertions in the literature or databases. Disclaimer: This variant has not undergone full assessment. The following are preliminary notes: Frequency

Color Diagnostics, LLC DBA Color Health
Classification: Benign for Hereditary cancer-predisposing syndrome. Last evaluated: 2015-03-31. Review status: criteria provided, single submitter. Criteria: ACMG Guidelines, 2015. Collection method: clinical testing. Allele origin: germline.

GeneDx
Classification: Benign. Last evaluated: 2015-03-03. Review status: criteria provided, single submitter. Criteria: GeneDx Variant Classification Process June 2021. Collection method: clinical testing. Allele origin: germline. Affected: yes.
Comment: This variant is associated with the following publications: (PMID: 11505391, 27599564)

Ambry Genetics
Classification: Benign for Hereditary cancer-predisposing syndrome. Last evaluated: 2014-11-19. Review status: criteria provided, single submitter. Criteria: Ambry Variant Classification Scheme 2023. Collection method: clinical testing. Allele origin: germline.

Genome Diagnostics Laboratory, University Medical Center Utrecht
Classification: Benign for Ataxia-telangiectasia syndrome. Last evaluated: 2014-10-10. Review status: criteria provided, single submitter. Criteria: ACGS Guidelines, 2013. Collection method: clinical testing. Allele origin: germline. Affected: yes. Study: VKGL Data-share Consensus.

Breakthrough Genomics
Classification: Likely benign. Review status: criteria provided, single submitter. Criteria: ACMG Guidelines, 2015. Collection method: not provided. Allele origin: germline. Inheritance: Autosomal recessive inheritance. Affected: yes.

PreventionGenetics, part of Exact Sciences
Classification: Benign. Review status: criteria provided, single submitter. Criteria: ACMG Guidelines, 2015. Collection method: clinical testing. Allele origin: germline.

Natera, Inc.
Classification: Benign for Ataxia-telangiectasia. Last evaluated: 2019-08-26. Review status: no assertion criteria provided. Collection method: clinical testing. Allele origin: germline. Not counted in ClinVar's aggregate classification.

True Health Diagnostics
Classification: Likely benign for Hereditary cancer-predisposing syndrome. Last evaluated: 2018-03-02. Review status: no assertion criteria provided. Collection method: clinical testing. Allele origin: germline. Not counted in ClinVar's aggregate classification.

Clinical Genetics DNA and cytogenetics Diagnostics Lab, Erasmus MC, Erasmus Medical Center
Classification: Benign. Review status: no assertion criteria provided. Collection method: clinical testing. Allele origin: germline. Affected: yes. Study: VKGL Data-share Consensus. Not counted in ClinVar's aggregate classification.

Clinical Genetics Laboratory, Department of Pathology, Netherlands Cancer Institute
Classification: Benign. Review status: no assertion criteria provided. Collection method: clinical testing. Allele origin: germline. Affected: yes. Study: VKGL Data-share Consensus. Not counted in ClinVar's aggregate classification.

Clinical Genetics, Academic Medical Center
Classification: Benign. Review status: no assertion criteria provided. Collection method: clinical testing. Allele origin: germline. Affected: yes. Study: VKGL Data-share Consensus. Not counted in ClinVar's aggregate classification.

NM_000051.4(ATM):c.4578C>T (p.Pro1526=)

Gene: ATM (ATM serine/threonine kinase; plus strand). Cytogenetic location: 11q22.3.
Variant type: single nucleotide variant.
Coding change: c.4578C>T on transcript NM_000051.4 (MANE Select); coding-DNA position 4578, C replaced by T.
Protein change: p.Pro1526=; no amino-acid change (proline 1526 retained).
Molecular consequence: synonymous variant.
Genome position (GRCh38, 1-based): chr11:108,292,760, C>T. VCF-style: chr11-108292760-C-T. GRCh37 (hg19) VCF-style: chr11-108163487-C-T.
Other names: NP_000042.3:p.Pro1526=; c.4578C>T, p.Pro1526= (NM_001351834.2).
Identifiers: ClinVar variation 128457 (VCV000128457.65), dbSNP rs1800889, ClinGen allele CA151926.